The following is an entry in ClinVar:

ClinVar aggregate classification (germline): Uncertain significance (1 of 4 stars; one submission).

Conditions:
ALG1-congenital disorder of glycosylation. Also called: CDG Ik; ALG1-CDG; CONGENITAL DISORDER OF GLYCOSYLATION, TYPE Ik. Identifiers: Orphanet 79327, MedGen C2931005, MONDO:0012052, OMIM 608540.

Allele frequency attached by ClinVar (database versions not stated): gnomAD exomes 0.00004; gnomAD 0.00005; TOPMed 0.00005; ExAC 0.00012; ESP Exome Variant Server 0.00014.
gnomAD v4.1: 68 of 1,594,800 alleles (0.0043%); highest among the groups gnomAD compares: East Asian, 0.076%; no homozygotes.

Submission:

Labcorp Genetics (formerly Invitae), Labcorp
Classification: Uncertain significance for ALG1-congenital disorder of glycosylation. Last evaluated: 2024-10-14. Review status: criteria provided, single submitter. Criteria: Invitae Variant Classification Sherloc (09022015). Collection method: clinical testing. Allele origin: germline.
Comment: This sequence change replaces glutamic acid, which is acidic and polar, with lysine, which is basic and polar, at codon 351 of the ALG1 protein (p.Glu351Lys). This variant is present in population databases (rs372462698, gnomAD 0.2%). This variant has not been reported in the literature in individuals affected with ALG1-related conditions. ClinVar contains an entry for this variant (Variation ID: 2193060). Invitae Evidence Modeling of protein sequence and biophysical properties (such as structural, functional, and spatial information, amino acid conservation, physicochemical variation, residue mobility, and thermodynamic stability) indicates that this missense variant is not expected to disrupt ALG1 protein function with a negative predictive value of 80%. In summary, the available evidence is currently insufficient to determine the role of this variant in disease. Therefore, it has been classified as a Variant of Uncertain Significance.

NM_019109.5(ALG1):c.1051G>A (p.Glu351Lys)

Gene: ALG1 (ALG1 chitobiosyldiphosphodolichol beta-mannosyltransferase; plus strand). Cytogenetic location: 16p13.3.
Variant type: single nucleotide variant.
Coding change: c.1051G>A on transcript NM_019109.5 (MANE Select); coding-DNA position 1051, G replaced by A.
Protein change: p.Glu351Lys; replaces glutamic acid 351 with lysine.
Molecular consequence: missense variant.
Genome position (GRCh38, 1-based): chr16:5,081,035, G>A. VCF-style: chr16-5081035-G-A. GRCh37 (hg19) VCF-style: chr16-5131036-G-A.
Other names: c.718G>A, p.Glu240Lys (NM_001330504.2); short protein forms E351K, E240K.
Identifiers: ClinVar variation 2193060 (VCV002193060.2), dbSNP rs372462698, ClinGen allele CA7890177.